The following is an entry in ClinVar:

ClinVar aggregate classification (germline): Uncertain significance (1 of 4 stars; one submission).

Conditions:
Charcot-Marie-Tooth disease axonal type 2O. Also called: CHARCOT-MARIE-TOOTH NEUROPATHY, AXONAL, TYPE 2O; CHARCOT-MARIE-TOOTH DISEASE, AXONAL, AUTOSOMAL DOMINANT, TYPE 2O; Charcot-Marie-Tooth Neuropathy Type 2O; Charcot-Marie-Tooth disease, axonal, type 20. Identifiers: Orphanet 284232, MedGen C3280220, MONDO:0013644, OMIM 614228.

gnomAD v4.1: 1 of 1,613,670 alleles (0.000062%); highest among the groups gnomAD compares: Non-Finnish European, 0.000085%; no homozygotes.

Submission:

Labcorp Genetics (formerly Invitae), Labcorp
Classification: Uncertain significance for Charcot-Marie-Tooth disease axonal type 2O. Last evaluated: 2025-09-14. Review status: criteria provided, single submitter. Criteria: Invitae Variant Classification Sherloc (09022015). Collection method: clinical testing. Allele origin: germline.
Comment: This sequence change replaces histidine, which is basic and polar, with arginine, which is basic and polar, at codon 2730 of the DYNC1H1 protein (p.His2730Arg). This variant is not present in population databases (gnomAD no frequency). This variant has not been reported in the literature in individuals affected with DYNC1H1-related conditions. Invitae Evidence Modeling of protein sequence and biophysical properties (such as structural, functional, and spatial information, amino acid conservation, physicochemical variation, residue mobility, and thermodynamic stability) has been performed for this missense variant. However, the output from this modeling did not meet the statistical confidence thresholds required to predict the impact of this variant on DYNC1H1 protein function. In summary, the available evidence is currently insufficient to determine the role of this variant in disease. Therefore, it has been classified as a Variant of Uncertain Significance.

NM_001376.5(DYNC1H1):c.8189A>G (p.His2730Arg)

Gene: DYNC1H1 (dynein cytoplasmic 1 heavy chain 1; plus strand). Cytogenetic location: 14q32.31.
Variant type: single nucleotide variant.
Coding change: c.8189A>G on transcript NM_001376.5 (MANE Select); coding-DNA position 8189, A replaced by G.
Protein change: p.His2730Arg; replaces histidine 2730 with arginine.
Molecular consequence: missense variant.
Genome position (GRCh38, 1-based): chr14:102,018,462, A>G. VCF-style: chr14-102018462-A-G. GRCh37 (hg19) VCF-style: chr14-102484799-A-G.
Other names: short protein forms H2730R.
Identifiers: ClinVar variation 4802065 (VCV004802065.1).